The following is an entry in ClinVar:

ClinVar aggregate classification (germline): Uncertain significance (0 of 4 stars; one submission).

Conditions:
TUB-related disorder. Also called: TUB-related condition.

Allele frequency attached by ClinVar (database versions not stated): gnomAD exomes below 0.00001.
gnomAD v4.1: 2 of 1,614,166 alleles (0.00012%); highest among the groups gnomAD compares: Admixed American, 0.0017%; no homozygotes.

Submission:

PreventionGenetics, part of Exact Sciences
Classification: Uncertain significance for TUB-related condition. Last evaluated: 2024-02-07. Review status: no assertion criteria provided. Collection method: clinical testing. Allele origin: germline.
Comment: The TUB c.1475A>G variant is predicted to result in the amino acid substitution p.Gln492Arg. To our knowledge, this variant has not been reported in the literature. This variant is reported in 0.0029% of alleles in individuals of Latino descent in gnomAD. At this time, the clinical significance of this variant is uncertain due to the absence of conclusive functional and genetic evidence.

NM_177972.3(TUB):c.1310A>G (p.Gln437Arg)

Genes: RIC3 (RIC3 acetylcholine receptor chaperone; minus strand), TUB (TUB bipartite transcription factor; plus strand). Cytogenetic location: 11p15.4.
Variant type: single nucleotide variant.
Coding change: c.1310A>G on transcript NM_177972.3 (MANE Select); coding-DNA position 1310, A replaced by G.
Protein change: p.Gln437Arg; replaces glutamine 437 with arginine.
Molecular consequence: missense variant.
Genome position (GRCh38, 1-based): chr11:8,100,920, A>G. VCF-style: chr11-8100920-A-G. GRCh37 (hg19) VCF-style: chr11-8122467-A-G.
Other names: c.1475A>G, p.Gln492Arg (NM_003320.5); short protein forms Q437R, Q492R.
Identifiers: ClinVar variation 3029428 (VCV003029428.2), dbSNP rs1248874061, ClinGen allele CA379572030.